The following is an entry in ClinVar:

NM_198253.3(TERT):c.757C>T (p.Gln253Ter)

Gene: TERT (telomerase reverse transcriptase; minus strand). Cytogenetic location: 5p15.33.
Variant type: single nucleotide variant.
Coding change: c.757C>T on transcript NM_198253.3 (MANE Select); coding-DNA position 757, C replaced by T.
Protein change: p.Gln253Ter; replaces glutamine 253 with a stop codon.
Molecular consequence: nonsense. On other transcripts: non-coding transcript variant (2).
Genome position (GRCh38, 1-based): chr5:1,294,129, G>A on the plus strand (C>T on the coding strand, the complement: TERT is on the minus strand). VCF-style: chr5-1294129-G-A. GRCh37 (hg19) VCF-style: chr5-1294244-G-A.
Other names: c.757C>T, p.Gln253Ter (NM_001193376.3, NM_003219.1); short protein forms Q253*.
Identifiers: ClinVar variation 2082916 (VCV002082916.4), dbSNP rs2478420652, ClinGen allele CA359056885.

ClinVar aggregate classification (germline): Pathogenic (1 of 4 stars; one submission).

Conditions:
Idiopathic Pulmonary Fibrosis. Also called: Idiopathic fibrosing alveolitis, chronic form; idiopathic fibrosing alveolitis. Identifiers: Orphanet 2032, MedGen C1800706, MeSH D054990, MONDO:0800504.
Dyskeratosis congenita, autosomal dominant 2. Identifiers: MedGen C3151443, MONDO:0013521, OMIM 613989.

Submission:

Labcorp Genetics (formerly Invitae), Labcorp
Classification: Pathogenic for Dyskeratosis congenita, autosomal dominant 2; Idiopathic Pulmonary Fibrosis. Last evaluated: 2022-01-14. Review status: criteria provided, single submitter. Criteria: Invitae Variant Classification Sherloc (09022015). Collection method: clinical testing. Allele origin: germline.
Comment: This sequence change creates a premature translational stop signal (p.Gln253*) in the TERT gene. It is expected to result in an absent or disrupted protein product. Loss-of-function variants in TERT are known to be pathogenic (PMID: 16247010, 17460043). This variant is not present in population databases (gnomAD no frequency). This variant has not been reported in the literature in individuals affected with TERT-related conditions. Algorithms developed to predict the effect of sequence changes on RNA splicing suggest that this variant may create or strengthen a splice site. For these reasons, this variant has been classified as Pathogenic.

Literature cited by the submitters: PubMed 16247010; PubMed 17460043.